The following is an entry in ClinVar:

ClinVar aggregate classification (germline): Uncertain significance (1 of 4 stars; one submission).

Submission:

GeneDx
Classification: Uncertain significance. Last evaluated: 2025-05-05. Review status: criteria provided, single submitter. Criteria: GeneDx Variant Classification Process June 2021. Collection method: clinical testing. Allele origin: germline. Affected: yes.
Comment: Not observed at significant frequency in large population cohorts (gnomAD); In silico analysis supports that this missense variant has a deleterious effect on protein structure/function; Has not been previously published as pathogenic or benign to our knowledge

NM_018109.4(MTPAP):c.721G>A (p.Gly241Arg)

Gene: MTPAP (mitochondrial poly(A) polymerase; minus strand). Cytogenetic location: 10p11.23.
Variant type: single nucleotide variant.
Coding change: c.721G>A on transcript NM_018109.4 (MANE Select); coding-DNA position 721, G replaced by A.
Protein change: p.Gly241Arg; replaces glycine 241 with arginine.
Molecular consequence: missense variant.
Genome position (GRCh38, 1-based): chr10:30,336,862, C>T on the plus strand (G>A on the coding strand, the complement: MTPAP is on the minus strand). VCF-style: chr10-30336862-C-T. GRCh37 (hg19) VCF-style: chr10-30625791-C-T.
Other names: short protein forms G241R.
Identifiers: ClinVar variation 4528076 (VCV004528076.1).